The following is an entry in ClinVar:

NM_013254.4(TBK1):c.1839G>T (p.Leu613Phe)

Gene: TBK1 (TANK binding kinase 1; plus strand). Cytogenetic location: 12q14.2.
Variant type: single nucleotide variant.
Coding change: c.1839G>T on transcript NM_013254.4 (MANE Select); coding-DNA position 1839, G replaced by T.
Protein change: p.Leu613Phe; replaces leucine 613 with phenylalanine.
Molecular consequence: missense variant.
Genome position (GRCh38, 1-based): chr12:64,497,027, G>T. VCF-style: chr12-64497027-G-T. GRCh37 (hg19) VCF-style: chr12-64890807-G-T.
Other names: short protein forms L613F.
Identifiers: ClinVar variation 772806 (VCV000772806.44), dbSNP rs368859659, ClinGen allele CA6669172.

ClinVar aggregate classification (germline): Benign/Likely benign. Review status: criteria provided, multiple submitters, no conflicts (2 of 4 stars). 4 submissions from 4 submitters: Benign (1); Likely benign (1). 2 of the submissions do not count toward it. Last evaluated 2025-11-17.

Conditions:
Frontotemporal dementia and/or amyotrophic lateral sclerosis 4. Also called: FTDALS4. Identifiers: Orphanet 275872, MedGen C4225325, MONDO:0014641, OMIM 616439.
Encephalopathy, acute, infection-induced (herpes-specific), susceptibility to, 8. Also called: HERPES SIMPLEX ENCEPHALITIS, SUSCEPTIBILITY TO, 6. Identifiers: MedGen C4693542, MONDO:0054754, OMIM 617900.
TBK1-related disorder. Also called: TBK1-related condition.
Susceptibility to severe COVID-19.

Allele frequency attached by ClinVar (database versions not stated): gnomAD 0.00003 and 0.00027; TOPMed 0.00005; 1000 Genomes Project 0.00180; 1000 Genomes Project 30x 0.00234.
gnomAD v4.1: 564 of 1,612,802 alleles (0.035%); highest among the groups gnomAD compares: South Asian, 0.55%; 8 homozygotes.

Submissions (4):

Labcorp Genetics (formerly Invitae), Labcorp
Classification: Benign for Frontotemporal dementia and/or amyotrophic lateral sclerosis 4. Last evaluated: 2025-11-17. Review status: criteria provided, single submitter. Criteria: Invitae Variant Classification Sherloc (09022015). Collection method: clinical testing. Allele origin: germline.

Fulgent Genetics
Classification: Likely benign for Frontotemporal dementia and/or amyotrophic lateral sclerosis 4; Encephalopathy, acute, infection-induced (herpes-specific), susceptibility to, 8. Last evaluated: 2021-07-24. Review status: criteria provided, single submitter. Criteria: ACMG Guidelines, 2015. Collection method: clinical testing. Allele origin: unknown.

Dubai Health Genomic Medicine Center, Dubai Health
Classification: Likely risk allele for Susceptibility to severe COVID-19. Last evaluated: 2022-07-01. Review status: no assertion criteria provided. Collection method: research. Allele origin: germline. Affected: yes. Not counted in ClinVar's aggregate classification.

PreventionGenetics, part of Exact Sciences
Classification: Benign for TBK1-related condition. Last evaluated: 2019-09-17. Review status: no assertion criteria provided. Collection method: clinical testing. Allele origin: germline. Not counted in ClinVar's aggregate classification.
Comment: This variant is classified as benign based on ACMG/AMP sequence variant interpretation guidelines (Richards et al. 2015 PMID: 25741868, with internal and published modifications).